The following is an entry in ClinVar:

NM_015909.4(NBAS):c.4912C>T (p.Arg1638Cys)

Gene: NBAS (NBAS subunit of NRZ tethering complex; minus strand). Cytogenetic location: 2p24.3.
Variant type: single nucleotide variant.
Coding change: c.4912C>T on transcript NM_015909.4 (MANE Select); coding-DNA position 4912, C replaced by T.
Protein change: p.Arg1638Cys; replaces arginine 1638 with cysteine.
Molecular consequence: missense variant. On other transcripts: non-coding transcript variant (1).
Genome position (GRCh38, 1-based): chr2:15,292,652, G>A on the plus strand (C>T on the coding strand, the complement: NBAS is on the minus strand). VCF-style: chr2-15292652-G-A. GRCh37 (hg19) VCF-style: chr2-15432776-G-A.
Other names: short protein forms R1638C.
Identifiers: ClinVar variation 2091403 (VCV002091403.4), dbSNP rs529487212, ClinGen allele CA1535459.

ClinVar aggregate classification (germline): Uncertain significance (1 of 4 stars; one submission).

Allele frequency attached by ClinVar (database versions not stated): gnomAD exomes below 0.00001; gnomAD 0.00001; TOPMed 0.00001; ExAC 0.00002; 1000 Genomes Project 30x 0.00016; 1000 Genomes Project 0.00020.
gnomAD v4.1: 9 of 1,614,162 alleles (0.00056%); highest among the groups gnomAD compares: East Asian, 0.0067%; no homozygotes.

Submission:

Labcorp Genetics (formerly Invitae), Labcorp
Classification: Uncertain significance. Last evaluated: 2022-02-01. Review status: criteria provided, single submitter. Criteria: Invitae Variant Classification Sherloc (09022015). Collection method: clinical testing. Allele origin: germline.
Comment: This variant has not been reported in the literature in individuals affected with NBAS-related conditions. This variant is present in population databases (rs529487212, gnomAD 0.006%). This sequence change replaces arginine, which is basic and polar, with cysteine, which is neutral and slightly polar, at codon 1638 of the NBAS protein (p.Arg1638Cys). In summary, the available evidence is currently insufficient to determine the role of this variant in disease. Therefore, it has been classified as a Variant of Uncertain Significance. Algorithms developed to predict the effect of missense changes on protein structure and function are either unavailable or do not agree on the potential impact of this missense change (SIFT: "Deleterious"; PolyPhen-2: "Benign"; Align-GVGD: "Class C65").